The following is an entry in ClinVar:

NM_000057.4(BLM):c.2309T>C (p.Ile770Thr)

Gene: BLM (BLM RecQ like helicase; plus strand). Cytogenetic location: 15q26.1.
Variant type: single nucleotide variant.
Coding change: c.2309T>C on transcript NM_000057.4 (MANE Select); coding-DNA position 2309, T replaced by C.
Protein change: p.Ile770Thr; replaces isoleucine 770 with threonine.
Molecular consequence: missense variant.
Genome position (GRCh38, 1-based): chr15:90,769,134, T>C. VCF-style: chr15-90769134-T-C. GRCh37 (hg19) VCF-style: chr15-91312364-T-C.
Other names: c.2309T>C, p.Ile770Thr (NM_001287246.2, NM_001287247.2); c.1184T>C, p.Ile395Thr (NM_001287248.2); short protein forms I395T, I770T.
Identifiers: ClinVar variation 3260997 (VCV003260997.1).

ClinVar aggregate classification (germline): Uncertain significance (1 of 4 stars; one submission).

Conditions:
Hereditary cancer-predisposing syndrome. Also called: Hereditary Cancer Syndrome; Tumor predisposition; Hereditary neoplastic syndrome; Neoplastic Syndromes, Hereditary. Identifiers: Orphanet 140162, MedGen C0027672, MeSH D009386, MONDO:0015356.

Submission:

Ambry Genetics
Classification: Uncertain significance for Hereditary cancer-predisposing syndrome. Last evaluated: 2024-04-04. Review status: criteria provided, single submitter. Criteria: Ambry Variant Classification Scheme 2023. Collection method: clinical testing. Allele origin: germline.
Comment: The p.I770T variant (also known as c.2309T>C), located in coding exon 10 of the BLM gene, results from a T to C substitution at nucleotide position 2309. The isoleucine at codon 770 is replaced by threonine, an amino acid with similar properties. This amino acid position is conserved. In addition, the in silico prediction for this alteration is inconclusive. Based on the available evidence, the clinical significance of this variant remains unclear.